The following is an entry in ClinVar:

ClinVar aggregate classification (germline): Uncertain significance (1 of 4 stars; one submission).

Submission:

Labcorp Genetics (formerly Invitae), Labcorp
Classification: Uncertain significance. Last evaluated: 2024-10-23. Review status: criteria provided, single submitter. Criteria: Invitae Variant Classification Sherloc (09022015). Collection method: clinical testing. Allele origin: germline.
Comment: This variant, c.869_877dup, results in the insertion of 3 amino acid(s) of the SEC61A1 protein (p.Pro290_Ile292dup), but otherwise preserves the integrity of the reading frame. This variant is not present in population databases (gnomAD no frequency). This variant has not been reported in the literature in individuals affected with SEC61A1-related conditions. ClinVar contains an entry for this variant (Variation ID: 1371201). Experimental studies and prediction algorithms are not available or were not evaluated, and the functional significance of this variant is currently unknown. In summary, the available evidence is currently insufficient to determine the role of this variant in disease. Therefore, it has been classified as a Variant of Uncertain Significance.

NM_013336.4(SEC61A1):c.869_877dup (p.Ile292_Leu293insProIleIle)

Genes: RUVBL1 (RuvB like AAA ATPase 1; minus strand), SEC61A1 (SEC61 translocon subunit alpha 1; plus strand). Cytogenetic location: 3q21.3.
Variant type: Duplication.
Coding change: c.869_877dup on transcript NM_013336.4 (MANE Select); coding-DNA positions 869 to 877, 9 bases duplicated (CCATCATCC; older notation c.869_877dupCCATCATCC).
Protein change: p.Ile292_Leu293insProIleIle.
Molecular consequence: inframe insertion. On other transcripts: intron variant (1).
Genome position (GRCh38, 1-based): chr3:128,067,045-128,067,053, CCATCATCC duplicated; duplicating any 9 consecutive bases within chr3:128,067,040-128,067,053 gives the same sequence; the c. name uses the placement nearest the transcript's 3' end. VCF-style (leftmost placement, unchanged base first): chr3-128067039-A-ACATCCCCAT. GRCh37 (hg19) VCF-style: chr3-127785882-A-ACATCCCCAT.
Other names: c.887_895dup, p.Ile298_Leu299insProIleIle (NM_001400328.1); c.710_718dup, p.Ile239_Leu240insProIleIle (NM_001400329.1); c.940-1828_940-1820dup (NM_001319086.1).
Identifiers: ClinVar variation 1371201 (VCV001371201.8), dbSNP rs2107650955, ClinGen allele CA2573136471.